The following is an entry in ClinVar:

NM_001371928.1(AHDC1):c.500TCT[1] (p.Phe168del)

Gene: AHDC1 (AT-hook DNA binding motif containing 1; minus strand). Cytogenetic location: 1p36.11.
Variant type: Microsatellite.
Coding change: c.500TCT[1] on transcript NM_001371928.1 (MANE Select); one copy of the 3-base unit TCT starting at c.500; the reference has two copies in a row; one copy, 3 bases deleted.
Protein change: p.Phe168del; deletes phenylalanine 168.
Molecular consequence: inframe deletion.
Genome position (GRCh38, 1-based): chr1:27,551,611-27,551,613, AGA deleted on the plus strand (TCT on the coding strand, the reverse complement: AHDC1 is on the minus strand); deleting any 3 consecutive bases within chr1:27,551,611-27,551,618 gives the same sequence; the position shown is the placement nearest the transcript's 3' end. VCF-style (leftmost placement, unchanged base first): chr1-27551610-GAGA-G. GRCh37 (hg19) VCF-style: chr1-27878121-GAGA-G.
Other names: c.500TCT[1], p.Phe168del (NM_001029882.3); short protein forms F168del.
Identifiers: ClinVar variation 2961221 (VCV002961221.3), dbSNP rs2522085895, ClinGen allele CA2574281900.

ClinVar aggregate classification (germline): Uncertain significance (1 of 4 stars; one submission).

Submission:

Labcorp Genetics (formerly Invitae), Labcorp
Classification: Uncertain significance. Last evaluated: 2023-08-19. Review status: criteria provided, single submitter. Criteria: Invitae Variant Classification Sherloc (09022015). Collection method: clinical testing. Allele origin: germline.
Comment: This variant, c.503_505del, results in the deletion of 1 amino acid(s) of the AHDC1 protein (p.Phe168del), but otherwise preserves the integrity of the reading frame. This variant is not present in population databases (gnomAD no frequency). In summary, the available evidence is currently insufficient to determine the role of this variant in disease. Therefore, it has been classified as a Variant of Uncertain Significance. Experimental studies and prediction algorithms are not available or were not evaluated, and the functional significance of this variant is currently unknown. This variant has not been reported in the literature in individuals affected with AHDC1-related conditions.